The following is an entry in ClinVar:

NM_001290321.3(DMXL1):c.913C>T (p.Arg305Ter)

Gene: DMXL1 (Dmx like 1; plus strand). Cytogenetic location: 5q23.1.
Variant type: single nucleotide variant.
Coding change: c.913C>T on transcript NM_001290321.3 (MANE Select); coding-DNA position 913, C replaced by T.
Protein change: p.Arg305Ter; replaces arginine 305 with a stop codon.
Molecular consequence: nonsense. On other transcripts: non-coding transcript variant (3).
Genome position (GRCh38, 1-based): chr5:119,118,984, C>T. VCF-style: chr5-119118984-C-T. GRCh37 (hg19) VCF-style: chr5-118454679-C-T.
Other names: c.913C>T, p.Arg305Ter (NM_001349239.2, NM_001349240.2, NM_001387933.1 and 4 more transcripts); short protein forms R305*.
Identifiers: ClinVar variation 4856072 (VCV004856072.1).
Genomic context (GRCh38, chr5:119,118,984, plus strand): 5'-CATTGGACTGAATCAATTAATTTAACAAATAACTTCAAGAGAAATGCTTCCAGTAAAGAA[C>T]GAGTTCAAAATGCTTTAGAAGTGAGTGTTTTTGTTACATTACTTACTACAAGTTTTAAAA-3'

ClinVar aggregate classification (germline): Uncertain significance (1 of 4 stars; one submission).

Conditions:
DMXL1-related disorder. Also called: DMXL1-related condition.

Submission:

3billion
Classification: Uncertain significance for DMXL1-related disorder. Last evaluated: 2025-12-04. Review status: criteria provided, single submitter. Criteria: ACMG Guidelines, 2015. Collection method: clinical testing. Allele origin: germline. Affected: yes.
Comment: The variant is not observed in the gnomAD v4.1.0 dataset. Predicted Consequence/Location: Stop-gained (nonsense) variant Therefore, this variant is classified as VUS according to the recommendation of ACMG/AMP guideline.